The following is an entry in ClinVar:

ClinVar aggregate classification (germline): Pathogenic (1 of 4 stars; one submission).

Allele frequency attached by ClinVar (database versions not stated): TOPMed below 0.00001.

Submission:

Labcorp Genetics (formerly Invitae), Labcorp
Classification: Pathogenic. Last evaluated: 2022-06-28. Review status: criteria provided, single submitter. Criteria: Invitae Variant Classification Sherloc (09022015). Collection method: clinical testing. Allele origin: germline.
Comment: This sequence change creates a premature translational stop signal (p.Lys52*) in the DLG5 gene. It is expected to result in an absent or disrupted protein product. Loss-of-function variants in DLG5 are known to be pathogenic (PMID: 30791088, 32631816). This variant is not present in population databases (gnomAD no frequency). This variant has not been reported in the literature in individuals affected with DLG5-related conditions. For these reasons, this variant has been classified as Pathogenic.

Literature cited by the submitters: PubMed 30791088; PubMed 32631816.

NM_004747.4(DLG5):c.154A>T (p.Lys52Ter)

Gene: DLG5 (discs large MAGUK scaffold protein 5; minus strand). Cytogenetic location: 10q22.3.
Variant type: single nucleotide variant.
Coding change: c.154A>T on transcript NM_004747.4 (MANE Select); coding-DNA position 154, A replaced by T.
Protein change: p.Lys52Ter; replaces lysine 52 with a stop codon.
Molecular consequence: nonsense.
Genome position (GRCh38, 1-based): chr10:77,926,367, T>A on the plus strand (A>T on the coding strand, the complement: DLG5 is on the minus strand). VCF-style: chr10-77926367-T-A. GRCh37 (hg19) VCF-style: chr10-79686125-T-A.
Other names: short protein forms K52*.
Identifiers: ClinVar variation 2071701 (VCV002071701.1), dbSNP rs1846693029, ClinGen allele CA377330459.